The following is an entry in ClinVar:

NM_004973.4(JARID2):c.2365C>G (p.Leu789Val)

Gene: JARID2 (jumonji and AT-rich interaction domain containing 2; plus strand). Cytogenetic location: 6p22.3.
Variant type: single nucleotide variant.
Coding change: c.2365C>G on transcript NM_004973.4 (MANE Select); coding-DNA position 2365, C replaced by G.
Protein change: p.Leu789Val; replaces leucine 789 with valine.
Molecular consequence: missense variant.
Genome position (GRCh38, 1-based): chr6:15,501,326, C>G. VCF-style: chr6-15501326-C-G. GRCh37 (hg19) VCF-style: chr6-15501557-C-G.
Other names: c.1849C>G, p.Leu617Val (NM_001267040.1); short protein forms L617V, L789V.
Identifiers: ClinVar variation 1313282 (VCV001313282.2), dbSNP rs2127744172, ClinGen allele CA362799259.

ClinVar aggregate classification (germline): Uncertain significance (1 of 4 stars; one submission).

Allele frequency attached by ClinVar (database versions not stated): gnomAD exomes below 0.00001.
gnomAD v4.1: 1 of 1,607,410 alleles (0.000062%); highest among the groups gnomAD compares: Non-Finnish European, 0.000085%; no homozygotes.

Submission:

GeneDx
Classification: Uncertain significance. Last evaluated: 2020-10-26. Review status: criteria provided, single submitter. Criteria: GeneDx Variant Classification Process June 2021. Collection method: clinical testing. Allele origin: germline. Affected: yes.
Comment: Has not been previously published as pathogenic or benign to our knowledge; Not observed in large population cohorts (Lek et al., 2016); In silico analysis supports that this missense variant does not alter protein structure/function